The following is an entry in ClinVar:

NM_000059.4(BRCA2):c.4512G>A (p.Val1504=)

Gene: BRCA2 (BRCA2 DNA repair associated; plus strand). Cytogenetic location: 13q13.1.
Variant type: single nucleotide variant.
Coding change: c.4512G>A on transcript NM_000059.4 (MANE Select); coding-DNA position 4512, G replaced by A.
Protein change: p.Val1504=; no amino-acid change (valine 1504 retained).
Molecular consequence: synonymous variant.
Genome position (GRCh38, 1-based): chr13:32,338,867, G>A. VCF-style: chr13-32338867-G-A. GRCh37 (hg19) VCF-style: chr13-32913004-G-A.
Identifiers: ClinVar variation 233525 (VCV000233525.20), dbSNP rs876660462, ClinGen allele CA10579622.

ClinVar aggregate classification (germline): Likely benign. Review status: reviewed by expert panel (3 of 4 stars). 7 submissions from 7 submitters: Likely benign (1). 6 of the submissions do not count toward it. Last evaluated 2017-06-29.

Conditions:
Hereditary cancer-predisposing syndrome. Also called: Tumor predisposition; Hereditary Cancer Syndrome; Hereditary neoplastic syndrome; Neoplastic Syndromes, Hereditary. Identifiers: Orphanet 140162, MedGen C0027672, MeSH D009386, MONDO:0015356.
Hereditary breast ovarian cancer syndrome. Also called: Hereditary breast and ovarian cancer; Breast and ovarian cancer; BRCA1- and BRCA2-Associated Hereditary Breast and Ovarian Cancer; Hereditary breast and ovarian cancer syndrome; Hereditary breast and ovarian cancer syndrome (HBOC); Hereditary breast and/or ovarian cancer syndrome. Identifiers: Orphanet 145, MedGen C0677776, MeSH D061325, MONDO:0003582. Disease mechanism: loss of function.
Breast-ovarian cancer, familial, susceptibility to, 2 (BROVCA2). Also called: BRCA2 Hereditary Breast and Ovarian Cancer. Identifiers: Orphanet 145, MedGen C2675520, MONDO:0012933, OMIM 612555. Disease mechanism: loss of function.

Submissions (7):

Evidence-based Network for the Interpretation of Germline Mutant Alleles (ENIGMA)
Classification: Likely benign for Breast-ovarian cancer, familial, susceptibility to, 2. Last evaluated: 2017-06-29. Review status: reviewed by expert panel. Criteria: ENIGMA BRCA1/2 Classification Criteria (2017-06-29). Collection method: curation. Allele origin: germline.
Comment: Synonymous substitution variant, with low bioinformatic likelihood to result in a splicing aberration (Splicing prior probability 0.02).

Women's Health and Genetics/Laboratory Corporation of America, LabCorp
Classification: Likely benign. Last evaluated: 2024-10-13. Review status: criteria provided, single submitter. Criteria: LabCorp Variant Classification Summary - May 2015. Collection method: clinical testing. Allele origin: germline. Not counted in ClinVar's aggregate classification.

Labcorp Genetics (formerly Invitae), Labcorp
Classification: Likely benign for Hereditary breast ovarian cancer syndrome. Last evaluated: 2023-11-07. Review status: criteria provided, single submitter. Criteria: Invitae Variant Classification Sherloc (09022015). Collection method: clinical testing. Allele origin: germline. Not counted in ClinVar's aggregate classification.

All of Us Research Program, National Institutes of Health
Classification: Likely benign for Breast-ovarian cancer, familial, susceptibility to, 2. Last evaluated: 2023-05-16. Review status: criteria provided, single submitter. Criteria: ACMG Guidelines, 2015. Collection method: clinical testing. Allele origin: germline. Inheritance: Autosomal dominant inheritance. Observed: 1 variant allele, 1 heterozygote. Not counted in ClinVar's aggregate classification.
Comment: This study involves interpretation of variants in research participants for the purpose of population health screening. Participant phenotype was not available at the time of variant classification. Additional details can be found in publication PMID: 35346344, PMCID: PMC8962531

Quest Diagnostics Nichols Institute San Juan Capistrano
Classification: Likely benign. Last evaluated: 2023-05-11. Review status: criteria provided, single submitter. Criteria: Quest Diagnostics criteria. Collection method: clinical testing. Allele origin: unknown. Not counted in ClinVar's aggregate classification.

Color Diagnostics, LLC DBA Color Health
Classification: Likely benign for Hereditary cancer-predisposing syndrome. Last evaluated: 2019-03-04. Review status: criteria provided, single submitter. Criteria: ACMG Guidelines, 2015. Collection method: clinical testing. Allele origin: germline. Not counted in ClinVar's aggregate classification.

Ambry Genetics
Classification: Likely benign for Hereditary cancer-predisposing syndrome. Last evaluated: 2015-08-19. Review status: criteria provided, single submitter. Criteria: Ambry Variant Classification Scheme 2023. Collection method: clinical testing. Allele origin: germline. Not counted in ClinVar's aggregate classification.